The following is an entry in ClinVar:

ClinVar aggregate classification (germline): Uncertain significance (1 of 4 stars; one submission).

gnomAD v4.1: 35 of 1,482,548 alleles (0.0024%); highest among the groups gnomAD compares: Non-Finnish European, 0.0029%; no homozygotes.

Submission:

GeneDx
Classification: Uncertain significance. Last evaluated: 2024-05-03. Review status: criteria provided, single submitter. Criteria: GeneDx Variant Classification Process June 2021. Collection method: clinical testing. Allele origin: germline. Affected: yes.
Comment: Not observed at significant frequency in large population cohorts (gnomAD); In silico analysis indicates that this missense variant does not alter protein structure/function; Has not been previously published as pathogenic or benign to our knowledge

NM_001010867.4(IBA57):c.340G>T (p.Gly114Trp)

Gene: IBA57 (iron-sulfur cluster assembly factor IBA57; plus strand). Cytogenetic location: 1q42.13.
Variant type: single nucleotide variant.
Coding change: c.340G>T on transcript NM_001010867.4 (MANE Select); coding-DNA position 340, G replaced by T.
Protein change: p.Gly114Trp; replaces glycine 114 with tryptophan.
Molecular consequence: missense variant.
Genome position (GRCh38, 1-based): chr1:228,166,156, G>T. VCF-style: chr1-228166156-G-T. GRCh37 (hg19) VCF-style: chr1-228353857-G-T.
Other names: short protein forms G114W.
Identifiers: ClinVar variation 3373413 (VCV003373413.1).